The following is an entry in ClinVar:

ClinVar aggregate classification (germline): Conflicting classifications of pathogenicity. Review status: criteria provided, conflicting classifications (1 of 4 stars). 5 submissions from 5 submitters: Uncertain significance (1); Likely benign (3). 1 of the submissions does not count toward it. Last evaluated 2026-01-11.

Conditions:
Brittle cornea syndrome 1 (BCS1). Also called: DYSGENESIS MESODERMALIS CORNEAE ET SCLERAE; Corneal fragility keratoglobus, blue sclerae AND joint hypermobility; CORNEAL FRAGILITY, KERATOGLOBUS, BLUE SCLERAE, JOINT HYPEREXTENSIBILITY; EDS6B; FRAGILITAS OCULI WITH JOINT HYPEREXTENSIBILITY. Identifiers: Orphanet 90354, MedGen C0268344, MONDO:0024543, OMIM 229200.
ZNF469-related disorder. Also called: ZNF469-related condition.
Cardiovascular phenotype. Identifiers: MedGen CN230736.

Allele frequency attached by ClinVar (database versions not stated): gnomAD 0.00011; ExAC 0.00012; TOPMed 0.00012; 1000 Genomes Project 30x 0.00109; 1000 Genomes Project 0.00140.
gnomAD v4.1: 176 of 1,549,526 alleles (0.011%); highest among the groups gnomAD compares: East Asian, 0.39%; no homozygotes.

Submissions (5):

Labcorp Genetics (formerly Invitae), Labcorp
Classification: Likely benign. Last evaluated: 2026-01-11. Review status: criteria provided, single submitter. Criteria: Invitae Variant Classification Sherloc (09022015). Collection method: clinical testing. Allele origin: germline.

Women's Health and Genetics/Laboratory Corporation of America, LabCorp
Classification: Likely benign. Last evaluated: 2025-01-14. Review status: criteria provided, single submitter. Criteria: LabCorp Variant Classification Summary - May 2015. Collection method: clinical testing. Allele origin: germline.
Comment: Variant summary: ZNF469 c.3875G>C (p.Ser1292Thr) results in a conservative amino acid change in the encoded protein sequence. Four of four in-silico tools predict a benign effect of the variant on protein function. The variant allele was found at a frequency of 0.0003 in 150754 control chromosomes, predominantly at a frequency of 0.0038 within the East Asian subpopulation in the gnomAD database. To our knowledge, no occurrence of c.3875G>C in individuals affected with Brittle cornea syndrome 1 and no experimental evidence demonstrating its impact on protein function have been reported. ClinVar contains an entry for this variant (Variation ID: 2071562). Based on the evidence outlined above, the variant was classified as likely benign.

Ambry Genetics
Classification: Likely benign for Cardiovascular phenotype. Last evaluated: 2024-04-08. Review status: criteria provided, single submitter. Criteria: Ambry Variant Classification Scheme 2023. Collection method: clinical testing. Allele origin: germline.

Department of Pathology and Laboratory Medicine, Sinai Health System
Classification: Uncertain significance for Brittle cornea syndrome 1. Last evaluated: 2022-05-10. Review status: criteria provided, single submitter. Criteria: ACMG Guidelines, 2015. Collection method: research. Allele origin: germline.

PreventionGenetics, part of Exact Sciences
Classification: Likely benign for ZNF469-related condition. Last evaluated: 2023-08-03. Review status: no assertion criteria provided. Collection method: clinical testing. Allele origin: germline. Not counted in ClinVar's aggregate classification.
Comment: This variant is classified as likely benign based on ACMG/AMP sequence variant interpretation guidelines (Richards et al. 2015 PMID: 25741868, with internal and published modifications).

NM_001367624.2(ZNF469):c.3875G>C (p.Ser1292Thr)

Gene: ZNF469 (zinc finger protein 469; plus strand). Cytogenetic location: 16q24.2.
Variant type: single nucleotide variant.
Coding change: c.3875G>C on transcript NM_001367624.2 (MANE Select); coding-DNA position 3875, G replaced by C.
Protein change: p.Ser1292Thr; replaces serine 1292 with threonine.
Molecular consequence: missense variant.
Genome position (GRCh38, 1-based): chr16:88,431,345, G>C. VCF-style: chr16-88431345-G-C. GRCh37 (hg19) VCF-style: chr16-88497753-G-C.
Other names: NM_001127464.2:c.3791G>C; NM_001127464.1:c.3791G>C; short protein forms S1292T.
Identifiers: ClinVar variation 2071562 (VCV002071562.11), dbSNP rs183126539, ClinGen allele CA8224895.